The following is an entry in ClinVar:

NM_005148.4(UNC119):c.386T>C (p.Val129Ala)

Gene: UNC119 (unc-119 lipid binding chaperone; minus strand). Cytogenetic location: 17q11.2.
Variant type: single nucleotide variant.
Coding change: c.386T>C on transcript NM_005148.4 (MANE Select); coding-DNA position 386, T replaced by C.
Protein change: p.Val129Ala; replaces valine 129 with alanine.
Molecular consequence: missense variant.
Genome position (GRCh38, 1-based): chr17:28,548,050, A>G on the plus strand (T>C on the coding strand, the complement: UNC119 is on the minus strand). VCF-style: chr17-28548050-A-G. GRCh37 (hg19) VCF-style: chr17-26875068-A-G.
Other names: c.101T>C, p.Val34Ala (NM_001330166.2); c.386T>C, p.Val129Ala (NM_054035.2); short protein forms V129A, V34A.
Identifiers: ClinVar variation 1465195 (VCV001465195.8), dbSNP rs2070229696, ClinGen allele CA398331466.

ClinVar aggregate classification (germline): Uncertain significance (1 of 4 stars; one submission).

Allele frequency attached by ClinVar (database versions not stated): TOPMed below 0.00001.

Submission:

Labcorp Genetics (formerly Invitae), Labcorp
Classification: Uncertain significance. Last evaluated: 2024-03-02. Review status: criteria provided, single submitter. Criteria: Invitae Variant Classification Sherloc (09022015). Collection method: clinical testing. Allele origin: germline.
Comment: This sequence change replaces valine, which is neutral and non-polar, with alanine, which is neutral and non-polar, at codon 129 of the UNC119 protein (p.Val129Ala). This variant is not present in population databases (gnomAD no frequency). This variant has not been reported in the literature in individuals affected with UNC119-related conditions. ClinVar contains an entry for this variant (Variation ID: 1465195). An algorithm developed to predict the effect of missense changes on protein structure and function (PolyPhen-2) suggests that this variant is likely to be disruptive. In summary, the available evidence is currently insufficient to determine the role of this variant in disease. Therefore, it has been classified as a Variant of Uncertain Significance.